The following is an entry in ClinVar:

NM_006767.4(LZTR1):c.973C>A (p.Gln325Lys)

Gene: LZTR1 (leucine zipper like post translational regulator 1; plus strand). Cytogenetic location: 22q11.21.
Variant type: single nucleotide variant.
Coding change: c.973C>A on transcript NM_006767.4 (MANE Select); coding-DNA position 973, C replaced by A.
Protein change: p.Gln325Lys; replaces glutamine 325 with lysine.
Molecular consequence: missense variant.
Genome position (GRCh38, 1-based): chr22:20,991,809, C>A. VCF-style: chr22-20991809-C-A. GRCh37 (hg19) VCF-style: chr22-21346098-C-A.
Other names: short protein forms Q325K.
Identifiers: ClinVar variation 1768039 (VCV001768039.2), dbSNP rs2518617365, ClinGen allele CA410781605.

ClinVar aggregate classification (germline): Uncertain significance (1 of 4 stars; one submission).

Conditions:
Cardiovascular phenotype. Identifiers: MedGen CN230736.
Hereditary cancer-predisposing syndrome. Also called: Hereditary Cancer Syndrome; Hereditary neoplastic syndrome; Neoplastic Syndromes, Hereditary; Tumor predisposition. Identifiers: Orphanet 140162, MedGen C0027672, MeSH D009386, MONDO:0015356.

Submission:

Ambry Genetics
Classification: Uncertain significance for Cardiovascular phenotype; Hereditary cancer-predisposing syndrome. Last evaluated: 2022-03-06. Review status: criteria provided, single submitter. Criteria: Ambry Variant Classification Scheme 2023. Collection method: clinical testing. Allele origin: germline.
Comment: The p.Q325K variant (also known as c.973C>A), located in coding exon 9 of the LZTR1 gene, results from a C to A substitution at nucleotide position 973. The glutamine at codon 325 is replaced by lysine, an amino acid with similar properties. This amino acid position is conserved. In addition, this alteration is predicted to be tolerated by in silico analysis. Since supporting evidence is limited at this time, the clinical significance of this alteration remains unclear.